The following is an entry in ClinVar:

ClinVar aggregate classification (germline): Uncertain significance. Review status: criteria provided, multiple submitters, no conflicts (2 of 4 stars). 2 submissions from 2 submitters: Uncertain significance (2). Last evaluated 2023-06-28.

Conditions:
Mitochondrial complex II deficiency, nuclear type 1. Also called: SUCCINATE CoQ REDUCTASE DEFICIENCY. Identifiers: Orphanet 3208, MedGen C5700310, MONDO:0100294, OMIM 252011.
Pheochromocytoma/paraganglioma syndrome 5. Also called: Paragangliomas 5; SDHA-Related Hereditary Paraganglioma-Pheochromocytoma Syndrome. Identifiers: Orphanet 29072, MedGen C3279992, MONDO:0013602, OMIM 614165.
Dilated cardiomyopathy 1GG (CMD1GG). Identifiers: Orphanet 154, MedGen C3150898, MONDO:0013339, OMIM 613642.

gnomAD v4.1: 1 of 1,614,214 alleles (0.000062%); highest among the groups gnomAD compares: South Asian, 0.0011%; no homozygotes.

Submissions (2):

Baylor Genetics
Classification: Uncertain significance for Dilated cardiomyopathy 1GG. Last evaluated: 2023-06-28. Review status: criteria provided, single submitter. Criteria: ACMG Guidelines, 2015. Collection method: clinical testing. Allele origin: unknown.

Labcorp Genetics (formerly Invitae), Labcorp
Classification: Uncertain significance for Pheochromocytoma/paraganglioma syndrome 5; Mitochondrial complex II deficiency, nuclear type 1. Last evaluated: 2020-10-16. Review status: criteria provided, single submitter. Criteria: Invitae Variant Classification Sherloc (09022015). Collection method: clinical testing. Allele origin: germline.
Comment: This sequence change replaces cysteine with serine at codon 191 of the SDHA protein (p.Cys191Ser). The cysteine residue is highly conserved and there is a moderate physicochemical difference between cysteine and serine. This variant is not present in population databases (ExAC no frequency). This variant has not been reported in the literature in individuals with SDHA-related conditions. Advanced modeling of protein sequence and biophysical properties (such as structural, functional, and spatial information, amino acid conservation, physicochemical variation, residue mobility, and thermodynamic stability) performed at Invitae indicates that this missense variant is not expected to disrupt SDHA protein function. In summary, the available evidence is currently insufficient to determine the role of this variant in disease. Therefore, it has been classified as a Variant of Uncertain Significance.

NM_004168.4(SDHA):c.572G>C (p.Cys191Ser)

Gene: SDHA (succinate dehydrogenase complex flavoprotein subunit A; plus strand). Cytogenetic location: 5p15.33.
Variant type: single nucleotide variant.
Coding change: c.572G>C on transcript NM_004168.4 (MANE Select); coding-DNA position 572, G replaced by C.
Protein change: p.Cys191Ser; replaces cysteine 191 with serine.
Molecular consequence: missense variant.
Genome position (GRCh38, 1-based): chr5:225,998, G>C. VCF-style: chr5-225998-G-C. GRCh37 (hg19) VCF-style: chr5-226113-G-C.
Other names: c.428G>C, p.Cys143Ser (NM_001294332.2); c.572G>C, p.Cys191Ser (NM_001330758.2); short protein forms C143S, C191S.
Identifiers: ClinVar variation 1063638 (VCV001063638.10), dbSNP rs1393298155, ClinGen allele CA359010507.